The following is an entry in ClinVar:

NM_006421.5(ARFGEF1):c.196C>G (p.Pro66Ala)

Gene: ARFGEF1 (ARF guanine nucleotide exchange factor 1; minus strand). Cytogenetic location: 8q13.2.
Variant type: single nucleotide variant.
Coding change: c.196C>G on transcript NM_006421.5 (MANE Select); coding-DNA position 196, C replaced by G.
Protein change: p.Pro66Ala; replaces proline 66 with alanine.
Molecular consequence: missense variant. On other transcripts: 5 prime UTR variant (4), non-coding transcript variant (1).
Genome position (GRCh38, 1-based): chr8:67,301,340, G>C on the plus strand (C>G on the coding strand, the complement: ARFGEF1 is on the minus strand). VCF-style: chr8-67301340-G-C. GRCh37 (hg19) VCF-style: chr8-68213575-G-C.
Other names: c.196C>G, p.Pro66Ala (NM_001413184.1, NM_001413185.1, NM_001413186.1 and 7 more transcripts); c.-405C>G (NM_001413188.1, NM_001413193.1, NM_001413197.1); c.-920C>G (NM_001413196.1); short protein forms P66A.
Identifiers: ClinVar variation 4535387 (VCV004535387.6).

ClinVar aggregate classification (germline): Uncertain significance (1 of 4 stars; one submission).

Submission:

CeGaT Center for Human Genetics Tuebingen
Classification: Uncertain significance. Last evaluated: 2025-11-01. Review status: criteria provided, single submitter. Criteria: CeGaT Center For Human Genetics Tuebingen Variant Classification Criteria Version 2. Collection method: clinical testing. Allele origin: germline. Affected: yes. Observed: 1 variant allele.
Comment: ARFGEF1: PM2